The following is an entry in ClinVar:

NM_001282531.3(ADNP):c.2212dup (p.Ser738fs)

Gene: ADNP (activity dependent neuroprotector homeobox; minus strand). Cytogenetic location: 20q13.13.
Variant type: Duplication.
Coding change: c.2212dup on transcript NM_001282531.3 (MANE Select); coding-DNA position 2212, one base duplicated (T; older notation c.2212dupT).
Protein change: p.Ser738fs; shifts the reading frame from serine 738.
Molecular consequence: frameshift variant.
Genome position (GRCh38, 1-based): chr20:50,892,502, A duplicated on the plus strand (T on the coding strand, the reverse complement: ADNP is on the minus strand); the first of 2 consecutive A bases (chr20:50,892,502-50,892,503); duplicating either gives the same sequence. VCF-style (leftmost placement, unchanged base first): chr20-50892501-G-GA. GRCh37 (hg19) VCF-style: chr20-49509038-G-GA.
Other names: c.2212dup, p.Ser738fs (NM_001282532.2, NM_001347511.2, NM_015339.5 and 1 more transcripts); short protein forms S738fs.
Identifiers: ClinVar variation 1804918 (VCV001804918.4), dbSNP rs2515579850, ClinGen allele CA1139771212.

ClinVar aggregate classification (germline): Pathogenic. Review status: criteria provided, multiple submitters, no conflicts (2 of 4 stars). 2 submissions from 2 submitters: Pathogenic (2). Last evaluated 2023-05-08.

Conditions:
ADNP-related multiple congenital anomalies - intellectual disability - autism spectrum disorder. Also called: Helsmoortel-Van der Aa Syndrome; ADNP-Related Helsmoortel-Van der Aa Syndrome. Identifiers: Orphanet 404448, MedGen C4014538, MONDO:0014379, OMIM 615873. Disease mechanism: loss of function.

Submissions (2):

Labcorp Genetics (formerly Invitae), Labcorp
Classification: Pathogenic. Last evaluated: 2023-05-08. Review status: criteria provided, single submitter. Criteria: Invitae Variant Classification Sherloc (09022015). Collection method: clinical testing. Allele origin: germline.
Comment: This sequence change creates a premature translational stop signal (p.Ser738Phefs*6) in the ADNP gene. While this is not anticipated to result in nonsense mediated decay, it is expected to disrupt the last 365 amino acid(s) of the ADNP protein. This variant is not present in population databases (gnomAD no frequency). For these reasons, this variant has been classified as Pathogenic. This variant disrupts a region of the ADNP protein in which other variant(s) (p.Arg1023Serfs*3) have been determined to be pathogenic (PMID: 29724491, 29911927, 33004838; Invitae). This suggests that this is a clinically significant region of the protein, and that variants that disrupt it are likely to be disease-causing. ClinVar contains an entry for this variant (Variation ID: 1804918). This variant has not been reported in the literature in individuals affected with ADNP-related conditions.

Victorian Clinical Genetics Services, Murdoch Childrens Research Institute
Classification: Pathogenic for ADNP-related multiple congenital anomalies - intellectual disability - autism spectrum disorder. Last evaluated: 2021-05-06. Review status: criteria provided, single submitter. Criteria: ACMG Guidelines, 2015. Collection method: clinical testing. Allele origin: germline. Inheritance: Autosomal dominant inheritance.
Comment: Based on the classification scheme VCGS_Germline_v1.3.4, this variant is classified as Pathogenic. Following criteria are met: 0102 - Loss of function is a known mechanism of disease in this gene and is associated with Helsmoortel-van der Aa syndrome (MIM#615873). (I) 0107 - This gene is associated with autosomal dominant disease. (I) 0205 - Variant is predicted to result in a truncated protein (premature termination codon is NOT located at least 54 nucleotides upstream of the final exon-exon junction) with less than 1/3 of the protein sequence affected. (SP) 0251 - This variant is heterozygous. (I) 0301 - Variant is absent from gnomAD (both v2 and v3). (SP) 0701 - Other downstream truncating variants comparable to the one identified in this case have very strong previous evidence for pathogenicity (ClinVar; DECIPHER). (SP) 0807 - This variant has no previous evidence of pathogenicity. (I) 0905 - No published segregation evidence has been identified for this variant. (I) 1007 - No published functional evidence has been identified for this variant. (SP) Legend: (SP) - Supporting pathogenic, (I) - Information, (SB) - Supporting benign

Literature cited by the submitters: PubMed 29724491 (cited by Labcorp Genetics (formerly Invitae), Labcorp); PubMed 29911927 (cited by Labcorp Genetics (formerly Invitae), Labcorp); PubMed 33004838 (cited by Labcorp Genetics (formerly Invitae), Labcorp).